The following is an entry in ClinVar:

ClinVar aggregate classification (germline): Uncertain significance (1 of 4 stars; one submission).

Conditions:
Donnai-Barrow syndrome. Also called: DBS/FOAR SYNDROME; FACIOOCULOACOUSTICORENAL SYNDROME. Identifiers: Orphanet 2143, MedGen C1857277, MONDO:0009104, OMIM 222448.

Submission:

Juno Genomics, Hangzhou Juno Genomics, Inc
Classification: Uncertain significance for Donnai-Barrow syndrome. Review status: criteria provided, single submitter. Criteria: ACMG Guidelines, 2015. Collection method: clinical testing. Allele origin: germline.
Comment: Absent from controls (or at extremely low frequency if recessive) in Genome Aggregation Database.;Missense variant in a gene that has a low rate of benign missense variation.;Multiple lines of computational evidence support a deleterious effect on the gene or gene product.

NM_004525.3(LRP2):c.4819T>C (p.Tyr1607His)

Gene: LRP2 (LDL receptor related protein 2; minus strand). Cytogenetic location: 2q31.1.
Variant type: single nucleotide variant.
Coding change: c.4819T>C on transcript NM_004525.3 (MANE Select); coding-DNA position 4819, T replaced by C.
Protein change: p.Tyr1607His; replaces tyrosine 1607 with histidine.
Molecular consequence: missense variant.
Genome position (GRCh38, 1-based): chr2:169,235,941, A>G on the plus strand (T>C on the coding strand, the complement: LRP2 is on the minus strand). VCF-style: chr2-169235941-A-G. GRCh37 (hg19) VCF-style: chr2-170092451-A-G.
Other names: short protein forms Y1607H.
Identifiers: ClinVar variation 5006126 (VCV005006126.2).